The following is an entry in ClinVar:

NM_030780.5(SLC25A32):c.769_770del (p.Met257fs)

Gene: SLC25A32 (solute carrier family 25 member 32; minus strand). Cytogenetic location: 8q22.3.
Variant type: Deletion.
Coding change: c.769_770del on transcript NM_030780.5 (MANE Select); coding-DNA positions 769 to 770, 2 bases deleted (AT; older notation c.769_770delAT).
Protein change: p.Met257fs; shifts the reading frame from methionine 257.
Molecular consequence: frameshift variant. On other transcripts: non-coding transcript variant (2).
Genome position (GRCh38, 1-based): chr8:103,401,558-103,401,559, AT deleted on the plus strand (AT on the coding strand, the reverse complement: SLC25A32 is on the minus strand). VCF-style (leftmost placement, unchanged base first): chr8-103401557-CAT-C. GRCh37 (hg19) VCF-style: chr8-104413785-CAT-C.
Other names: short protein forms M257fs.
Identifiers: ClinVar variation 3667178 (VCV003667178.2).

ClinVar aggregate classification (germline): Uncertain significance (1 of 4 stars; one submission).

Submission:

Labcorp Genetics (formerly Invitae), Labcorp
Classification: Uncertain significance. Last evaluated: 2024-02-08. Review status: criteria provided, single submitter. Criteria: Invitae Variant Classification Sherloc (09022015). Collection method: clinical testing. Allele origin: germline.
Comment: This sequence change creates a premature translational stop signal (p.Met257Valfs*28) in the SLC25A32 gene. While this is not anticipated to result in nonsense mediated decay, it is expected to disrupt the last 59 amino acid(s) of the SLC25A32 protein. This variant is present in population databases (rs766450156, gnomAD 0.01%). This variant has not been reported in the literature in individuals affected with SLC25A32-related conditions. Experimental studies and prediction algorithms are not available or were not evaluated, and the functional significance of this variant is currently unknown. In summary, the available evidence is currently insufficient to determine the role of this variant in disease. Therefore, it has been classified as a Variant of Uncertain Significance.